The following is an entry in ClinVar:

ClinVar aggregate classification (germline): Benign. Review status: criteria provided, multiple submitters, no conflicts (2 of 4 stars). 6 submissions from 6 submitters: Benign (5). 1 of the submissions does not count toward it. Last evaluated 2026-02-03.

Conditions:
Inborn genetic diseases. Identifiers: MedGen C0950123, MeSH D030342.
Kleefstra syndrome 1 (KLEFS1). Identifiers: Orphanet 261494, MedGen C0795833, MONDO:0027407, OMIM 610253.

Allele frequency attached by ClinVar (database versions not stated): gnomAD 0.00146 and 0.00211; gnomAD exomes 0.00436 and 0.00131; 1000 Genomes Project 0.01098; TOPMed 0.00249; ExAC 0.00431; 1000 Genomes Project 30x 0.00953.
gnomAD v4.1: 2,377 of 1,606,096 alleles (0.15%); highest among the groups gnomAD compares: East Asian, 4.1%; 50 homozygotes.

Submissions (6):

Labcorp Genetics (formerly Invitae), Labcorp
Classification: Benign for Kleefstra syndrome 1. Last evaluated: 2026-02-03. Review status: criteria provided, single submitter. Criteria: Invitae Variant Classification Sherloc (09022015). Collection method: clinical testing. Allele origin: germline.

Mayo Clinic Laboratories, Mayo Clinic
Classification: Benign. Last evaluated: 2025-05-31. Review status: criteria provided, single submitter. Criteria: ACMG Guidelines, 2015. Collection method: clinical testing. Allele origin: germline. Observed: 1 variant allele.

GeneDx
Classification: Benign. Last evaluated: 2018-07-17. Review status: criteria provided, single submitter. Criteria: GeneDx Variant Classification Process June 2021. Collection method: clinical testing. Allele origin: germline. Affected: yes.

Ambry Genetics
Classification: Benign for Inborn genetic diseases. Last evaluated: 2016-04-20. Review status: criteria provided, single submitter. Criteria: Ambry Variant Classification Scheme 2023. Collection method: clinical testing. Allele origin: germline.

Eurofins Ntd Llc (ga)
Classification: Benign. Last evaluated: 2014-02-14. Review status: criteria provided, single submitter. Criteria: EGL Classification Definitions 2015. Collection method: clinical testing. Allele origin: germline. Observed: 3 variant alleles, 3 heterozygotes.

Genetic Services Laboratory, University of Chicago
Classification: Likely benign for AllHighlyPenetrant. Review status: no assertion criteria provided. Collection method: clinical testing. Allele origin: germline. Inheritance: Autosomal dominant inheritance. Not counted in ClinVar's aggregate classification.
Comment: Likely benign based on allele frequency in 1000 Genomes Project or ESP global frequency and its presence in a patient with a rare or unrelated disease phenotype. NOT Sanger confirmed.

NM_024757.5(EHMT1):c.148G>A (p.Ala50Thr)

Gene: EHMT1 (euchromatic histone lysine methyltransferase 1; plus strand). Cytogenetic location: 9q34.3.
Variant type: single nucleotide variant.
Coding change: c.148G>A on transcript NM_024757.5 (MANE Select); coding-DNA position 148, G replaced by A.
Protein change: p.Ala50Thr; replaces alanine 50 with threonine.
Molecular consequence: missense variant.
Genome position (GRCh38, 1-based): chr9:137,716,688, G>A. VCF-style: chr9-137716688-G-A. GRCh37 (hg19) VCF-style: chr9-140611140-G-A.
Other names: c.148G>A, p.Ala50Thr (NM_001145527.2, NM_001354263.2, NM_001354611.2); c.55G>A, p.Ala19Thr (NM_001354259.2, NM_001354612.2); short protein forms A50T, A19T.
Identifiers: ClinVar variation 128976 (VCV000128976.27), dbSNP rs78104547, ClinGen allele CA152700.